The following is an entry in ClinVar:

NM_052947.4(ALPK2):c.2549C>T (p.Ser850Phe)

Gene: ALPK2 (alpha kinase 2; minus strand). Cytogenetic location: 18q21.31.
Variant type: single nucleotide variant.
Coding change: c.2549C>T on transcript NM_052947.4 (MANE Select); coding-DNA position 2549, C replaced by T.
Protein change: p.Ser850Phe; replaces serine 850 with phenylalanine.
Molecular consequence: missense variant.
Genome position (GRCh38, 1-based): chr18:58,537,638, G>A on the plus strand (C>T on the coding strand, the complement: ALPK2 is on the minus strand). VCF-style: chr18-58537638-G-A. GRCh37 (hg19) VCF-style: chr18-56204870-G-A.
Other names: short protein forms S850F.
Identifiers: ClinVar variation 1792914 (VCV001792914.2), dbSNP rs887742243, ClinGen allele CA300927594.

ClinVar aggregate classification (germline): Uncertain significance (1 of 4 stars; one submission).

Submission:

Ambry Genetics
Classification: Uncertain significance. Last evaluated: 2022-05-28. Review status: criteria provided, single submitter. Criteria: Ambry Variant Classification Scheme 2023. Collection method: clinical testing. Allele origin: germline.
Comment: The p.S850F variant (also known as c.2549C>T), located in coding exon 4 of the ALPK2 gene, results from a C to T substitution at nucleotide position 2549. The serine at codon 850 is replaced by phenylalanine, an amino acid with highly dissimilar properties. This amino acid position is conserved. In addition, this alteration is predicted to be tolerated by in silico analysis. Since supporting evidence is limited at this time, the clinical significance of this alteration remains unclear.